The following is an entry in ClinVar:

ClinVar aggregate classification (germline): Uncertain significance (1 of 4 stars; one submission).

Conditions:
Hereditary cancer-predisposing syndrome. Also called: Neoplastic Syndromes, Hereditary; Tumor predisposition; Hereditary Cancer Syndrome; Hereditary neoplastic syndrome. Identifiers: Orphanet 140162, MedGen C0027672, MeSH D009386, MONDO:0015356.

Submission:

Color Diagnostics, LLC DBA Color Health
Classification: Uncertain significance for Hereditary cancer-predisposing syndrome. Last evaluated: 2024-03-06. Review status: criteria provided, single submitter. Criteria: ACMG Guidelines, 2015. Collection method: clinical testing. Allele origin: germline.
Comment: This missense variant replaces glutamic acid with alanine at codon 35 of the CDH1 protein. To our knowledge, functional studies have not been reported for this variant. This variant has not been reported in individuals affected with CDH1-related disorders in the literature. This variant has not been identified in the general population by the Genome Aggregation Database (gnomAD). The available evidence is insufficient to determine the role of this variant in disease conclusively. Therefore, this variant is classified as a Variant of Uncertain Significance.

NM_004360.5(CDH1):c.104A>C (p.Glu35Ala)

Gene: CDH1 (cadherin 1; plus strand). Cytogenetic location: 16q22.1.
Variant type: single nucleotide variant.
Coding change: c.104A>C on transcript NM_004360.5 (MANE Select); coding-DNA position 104, A replaced by C.
Protein change: p.Glu35Ala; replaces glutamic acid 35 with alanine.
Molecular consequence: missense variant. On other transcripts: 5 prime UTR variant (2).
Genome position (GRCh38, 1-based): chr16:68,738,352, A>C. VCF-style: chr16-68738352-A-C. GRCh37 (hg19) VCF-style: chr16-68772255-A-C.
Other names: c.104A>C, p.Glu35Ala (NM_001317184.2); c.-1512A>C (NM_001317185.2); c.-1716A>C (NM_001317186.2); short protein forms E35A.
Identifiers: ClinVar variation 2775022 (VCV002775022.2), dbSNP rs2152114404, ClinGen allele CA396452002.
Genomic context (GRCh38, chr16:68,738,352, plus strand): 5'-CCCAGGTCTCCTCTTGGCTCTGCCAGGAGCCGGAGCCCTGCCACCCTGGCTTTGACGCCG[A>C]GAGCTACACGTTCACGGTGCCCCGGCGCCACCTGGAGAGAGGCCGCGTCCTGGGCAGAGG-3'
Protein context (NP_004351.1, residues 25-45): PEPCHPGFDA[Glu35Ala]SYTFTVPRRH